The following is an entry in ClinVar:

ClinVar aggregate classification (germline): Pathogenic (1 of 4 stars; one submission).

Conditions:
Nemaline myopathy 2 (NEM2). Also called: Nemaline myopathy 2, autosomal recessive. Identifiers: MedGen C1850569, MONDO:0009725, OMIM 256030.

Submission:

Labcorp Genetics (formerly Invitae), Labcorp
Classification: Pathogenic for Nemaline myopathy 2. Last evaluated: 2023-11-14. Review status: criteria provided, single submitter. Criteria: Invitae Variant Classification Sherloc (09022015). Collection method: clinical testing. Allele origin: germline.
Comment: This variant occurs in a region of NEB (Exons 82-105) consisting of three highly homologous 8-exon repeat units (exons 82-89, exons 90-97, exons 98-105). Sequence variants in this region can be detected, but this assay cannot determine which of the three repeat units is affected, and zygosity is often ambiguous. All variants in this region are reported relative to the exon 82-89 repeat. This sequence change creates a premature translational stop signal (p.Leu4593Tyrfs*27) in the NEB gene. It is expected to result in an absent or disrupted protein product. Loss-of-function variants in NEB are known to be pathogenic (PMID: 25205138). The frequency data for this variant in the population databases (gnomAD) is considered unreliable due to the presence of homologous sequence, such as pseudogenes or paralogs, in the genome. This variant has not been reported in the literature in individuals affected with NEB-related conditions. For these reasons, this variant has been classified as Pathogenic.

Literature cited by the submitters: PubMed 25205138.

NM_001164508.2(NEB):c.13777del (p.Leu4593fs)

Gene: NEB (nebulin; minus strand). Cytogenetic location: 2q23.3.
Variant type: Deletion.
Coding change: c.13777del on transcript NM_001164508.2 (MANE Select); coding-DNA position 13777, one base deleted (C; older notation c.13777delC).
Protein change: p.Leu4593fs; shifts the reading frame from leucine 4593.
Molecular consequence: frameshift variant. On other transcripts: intron variant (1).
Genome position (GRCh38, 1-based): chr2:151,600,453, G deleted on the plus strand (C on the coding strand, the reverse complement: NEB is on the minus strand); the first of 2 consecutive G bases (chr2:151,600,453-151,600,454); deleting either gives the same sequence. VCF-style (leftmost placement, unchanged base first): chr2-151600452-AG-A. GRCh37 (hg19) VCF-style: chr2-152456966-AG-A.
Other names: c.13777del, p.Leu4593fs (NM_001164507.2, NM_001271208.2); c.11601+9356del (NM_004543.5); short protein forms L4593fs.
Identifiers: ClinVar variation 2695826 (VCV002695826.3), dbSNP rs2552219739, ClinGen allele CA2697551083.